The following is an entry in ClinVar:

ClinVar aggregate classification (germline): Uncertain significance (1 of 4 stars; one submission).

Conditions:
COG5-congenital disorder of glycosylation. Also called: CDG IIi; CONGENITAL DISORDER OF GLYCOSYLATION, TYPE IIi; COG5-CDG. Identifiers: Orphanet 263487, MedGen C3150876, MONDO:0013325, OMIM 613612.

gnomAD v4.1: 3 of 1,605,066 alleles (0.00019%); highest among the groups gnomAD compares: East Asian, 0.0067%; no homozygotes.

Submission:

Juno Genomics, Hangzhou Juno Genomics, Inc
Classification: Uncertain significance for COG5-congenital disorder of glycosylation. Review status: criteria provided, single submitter. Criteria: ACMG Guidelines, 2015. Collection method: clinical testing. Allele origin: germline. Affected: yes.
Comment: Absent from controls (or at extremely low frequency if recessive) in Genome Aggregation Database, Exome Sequencing Project, 1000 Genomes Project, or Exome Aggregation Consortium.;Multiple lines of computational evidence support a deleterious effect on the gene or gene product (conservation, evolutionary, splicing impact, etc).;For recessive disorders, detected in trans with a pathogenic variant.

NM_006348.5(COG5):c.1749G>A (p.Lys583=)

Gene: COG5 (component of oligomeric golgi complex 5; minus strand). Cytogenetic location: 7q22.3.
Variant type: single nucleotide variant.
Coding change: c.1749G>A on transcript NM_006348.5 (MANE Select); coding-DNA position 1749, G replaced by A.
Protein change: p.Lys583=; no amino-acid change (lysine 583 retained).
Molecular consequence: synonymous variant. On other transcripts: intron variant (2).
Genome position (GRCh38, 1-based): chr7:107,256,732, C>T on the plus strand (G>A on the coding strand, the complement: COG5 is on the minus strand). VCF-style: chr7-107256732-C-T. GRCh37 (hg19) VCF-style: chr7-106897177-C-T.
Other names: c.1749G>A, p.Lys583= (NM_001161520.2, NM_001379513.1, NM_001379514.1); c.1587G>A, p.Lys529= (NM_001379511.1); c.1179G>A, p.Lys393= (NM_001379515.1); c.1035G>A, p.Lys345= (NM_001379516.1); c.1576-8233G>A (NM_001379512.1); c.1686+1541G>A (NM_181733.4).
Identifiers: ClinVar variation 3382824 (VCV003382824.2).